The following is an entry in ClinVar:

NM_000169.3(GLA):c.519C>G (p.Tyr173Ter)

Genes: GLA (galactosidase alpha; minus strand), RPL36A-HNRNPH2 (RPL36A-HNRNPH2 readthrough; plus strand). Cytogenetic location: Xq22.1.
Variant type: single nucleotide variant.
Coding change: c.519C>G on transcript NM_000169.3 (MANE Select); coding-DNA position 519, C replaced by G.
Protein change: p.Tyr173Ter; replaces tyrosine 173 with a stop codon.
Molecular consequence: nonsense. On other transcripts: non-coding transcript variant (3), intron variant (2).
Genome position (GRCh38, 1-based): chrX:101,401,660, G>C on the plus strand (C>G on the coding strand, the complement: GLA is on the minus strand). VCF-style: chrX-101401660-G-C. GRCh37 (hg19) VCF-style: chrX-100656648-G-C.
Other names: c.642C>G, p.Tyr214Ter (NM_001406749.1, NM_001406747.1); c.300+6203G>C (NM_001199973.2); c.177+9838G>C (NM_001199974.2); c.519C>G, p.Tyr173Ter (NM_001406748.1); short protein forms Y173*, Y214*.
Identifiers: ClinVar variation 4974894 (VCV004974894.1), dbSNP rs869312319.

ClinVar aggregate classification (germline): Pathogenic (1 of 4 stars; one submission).

Conditions:
Fabry disease. Also called: Fabry's disease; ALPHA-GALACTOSIDASE A DEFICIENCY; ANDERSON-FABRY DISEASE; CERAMIDE TRIHEXOSIDASE DEFICIENCY; GLA DEFICIENCY; HEREDITARY DYSTOPIC LIPIDOSIS. Identifiers: Orphanet 324, MedGen C0002986, MONDO:0010526, OMIM 301500, HP:0001071. Disease mechanism: Fabry disease is due to inactivating mutations in the X-linked GLA gene resulting in deficiency of the enzyme Alpha Galactosidase-A., loss of function.

Submission:

Genomenon, Inc
Classification: Pathogenic for Fabry disease. Last evaluated: 2026-09-08. Review status: criteria provided, single submitter. Criteria: Genomenon Sequence Variant Interpretation Standards - Updated. Collection method: curation. Allele origin: germline. Affected: yes.
Comment: GLA p.Tyr173Ter (c.519C>G) is a nonsense variant that introduces a premature stop codon at amino acid position 173 and is predicted to result in a truncated or absent protein product. This variant has been observed in at least one proband with clinical features consistent with Fabry disease (PMID:30385651). It is absent or not present at a significant frequency in gnomAD. In conclusion, we classify GLA p.Tyr173Ter (c.519C>G) as a pathogenic variant.

Literature cited by the submitters: PubMed 30385651.